The following is an entry in ClinVar:

ClinVar aggregate classification (germline): Uncertain significance (1 of 4 stars; one submission).

Conditions:
Familial thoracic aortic aneurysm and aortic dissection (TAAD). Also called: Thoracic aortic aneurysms and dissections. Identifiers: Orphanet 91387, MedGen C4707243, MONDO:0019625.

gnomAD v4.1: 2 of 1,614,226 alleles (0.00012%); highest among the groups gnomAD compares: Non-Finnish European, 0.00017%; no homozygotes.

Submission:

Ambry Genetics
Classification: Uncertain significance for Familial thoracic aortic aneurysm and aortic dissection. Last evaluated: 2026-05-28. Review status: criteria provided, single submitter. Criteria: Ambry Variant Classification Scheme 2023. Collection method: clinical testing. Allele origin: germline.
Comment: The p.E682K variant (also known as c.2044G>A), located in coding exon 16 of the FBN1 gene, results from a G to A substitution at nucleotide position 2044. The glutamic acid at codon 682 is replaced by lysine, an amino acid with similar properties. This amino acid position is conserved. In addition, the in silico prediction for this alteration is inconclusive. Based on the available evidence, the clinical significance of this variant remains unclear.

NM_000138.5(FBN1):c.2044G>A (p.Glu682Lys)

Gene: FBN1 (fibrillin 1; minus strand). Cytogenetic location: 15q21.1.
Variant type: single nucleotide variant.
Coding change: c.2044G>A on transcript NM_000138.5 (MANE Select); coding-DNA position 2044, G replaced by A.
Protein change: p.Glu682Lys; replaces glutamic acid 682 with lysine.
Molecular consequence: missense variant.
Genome position (GRCh38, 1-based): chr15:48,503,856, C>T on the plus strand (G>A on the coding strand, the complement: FBN1 is on the minus strand). VCF-style: chr15-48503856-C-T. GRCh37 (hg19) VCF-style: chr15-48796053-C-T.
Other names: c.2044G>A, p.Glu682Lys (NM_001406716.1); short protein forms E682K.
Identifiers: ClinVar variation 4871232 (VCV004871232.1).
Genomic context (GRCh38, chr15:48,503,856, plus strand): 5'-GTGCAGGACACGGCTGGCAAGGTTCCCCAAATGCATACTCAGTGCTGGCGCAACAGCATT[C>T]AGATTTAGTGACAGCACCAAACAAAGGTTTGATACACTGGCCTCTCTTGTATCCACCATA-3'
Protein context (NP_000129.3, residues 672-692): KPLFGAVTKS[Glu682Lys]CCCASTEYAF